The following is an entry in ClinVar:

NM_006389.5(HYOU1):c.2810A>G (p.Gln937Arg)

Gene: HYOU1 (hypoxia up-regulated 1; minus strand). Cytogenetic location: 11q23.3.
Variant type: single nucleotide variant.
Coding change: c.2810A>G on transcript NM_006389.5 (MANE Select); coding-DNA position 2810, A replaced by G.
Protein change: p.Gln937Arg; replaces glutamine 937 with arginine.
Molecular consequence: missense variant.
Genome position (GRCh38, 1-based): chr11:119,046,588, T>C on the plus strand (A>G on the coding strand, the complement: HYOU1 is on the minus strand). VCF-style: chr11-119046588-T-C. GRCh37 (hg19) VCF-style: chr11-118917300-T-C.
Other names: c.2810A>G, p.Gln937Arg (NM_001130991.3); short protein forms Q937R.
Identifiers: ClinVar variation 1496508 (VCV001496508.6), dbSNP rs567415628, ClinGen allele CA229616764.

ClinVar aggregate classification (germline): Uncertain significance (1 of 4 stars; one submission).

Allele frequency attached by ClinVar (database versions not stated): TOPMed 0.00002; gnomAD 0.00003; gnomAD exomes 0.00009; 1000 Genomes Project 30x 0.00016.
gnomAD v4.1: 131 of 1,613,916 alleles (0.0081%); highest among the groups gnomAD compares: South Asian, 0.12%; 2 homozygotes.

Submission:

Labcorp Genetics (formerly Invitae), Labcorp
Classification: Uncertain significance. Last evaluated: 2025-11-27. Review status: criteria provided, single submitter. Criteria: Invitae Variant Classification Sherloc (09022015). Collection method: clinical testing. Allele origin: germline.
Comment: This sequence change replaces glutamine, which is neutral and polar, with arginine, which is basic and polar, at codon 937 of the HYOU1 protein (p.Gln937Arg). This variant is present in population databases (rs567415628, gnomAD 0.07%), and has an allele count higher than expected for a pathogenic variant. This variant has not been reported in the literature in individuals affected with HYOU1-related conditions. ClinVar contains an entry for this variant (Variation ID: 1496508). An algorithm developed to predict the effect of missense changes on protein structure and function (PolyPhen-2) suggests that this variant is likely to be tolerated. In summary, the available evidence is currently insufficient to determine the role of this variant in disease. Therefore, it has been classified as a Variant of Uncertain Significance.